The following is an entry in ClinVar:

ClinVar aggregate classification (germline): Uncertain significance. Review status: criteria provided, multiple submitters, no conflicts (2 of 4 stars). 4 submissions from 4 submitters: Uncertain significance (3). 1 of the submissions does not count toward it. Last evaluated 2026-10-01.

Conditions:
Inborn genetic diseases. Identifiers: MedGen C0950123, MeSH D030342.
Acute infantile liver failure due to synthesis defect of mtDNA-encoded proteins. Also called: TRMU Deficiency; LIVER FAILURE, INFANTILE, TRANSIENT; Liver failure acute infantile. Identifiers: Orphanet 217371, MedGen C3278664, MONDO:0013111, OMIM 613070.

Allele frequency attached by ClinVar (database versions not stated): gnomAD 0.00010; ESP Exome Variant Server 0.00015; TOPMed 0.00006.
gnomAD v4.1: 281 of 1,613,158 alleles (0.017%); highest among the groups gnomAD compares: Non-Finnish European, 0.023%; 1 homozygote.

Submissions (4):

GeneDx
Classification: Uncertain significance. Last evaluated: 2026-10-01. Review status: criteria provided, single submitter. Criteria: GeneDx Variant Classification Process June 2021. Collection method: clinical testing. Allele origin: germline.
Comment: Not observed at significant frequency in large population cohorts (gnomAD); In silico analysis supports that this missense variant has a deleterious effect on protein structure/function; Has not been previously published as pathogenic or benign to our knowledge

Ambry Genetics
Classification: Uncertain significance for Inborn genetic diseases. Last evaluated: 2025-12-15. Review status: criteria provided, single submitter. Criteria: Ambry Variant Classification Scheme 2023. Collection method: clinical testing. Allele origin: germline.

Eurofins Ntd Llc (ga)
Classification: Uncertain significance. Last evaluated: 2017-08-11. Review status: criteria provided, single submitter. Criteria: EGL Classification Definitions 2015. Collection method: clinical testing. Allele origin: germline. Observed: 1 variant allele, 1 heterozygote.

Natera, Inc.
Classification: Uncertain significance for Acute infantile liver failure due to synthesis defect of mtDNA-encoded proteins. Last evaluated: 2019-11-11. Review status: no assertion criteria provided. Collection method: clinical testing. Allele origin: germline. Not counted in ClinVar's aggregate classification.

NM_018006.5(TRMU):c.952C>T (p.Pro318Ser)

Gene: TRMU (tRNA mitochondrial 2-thiouridylase; plus strand). Cytogenetic location: 22q13.31.
Variant type: single nucleotide variant.
Coding change: c.952C>T on transcript NM_018006.5 (MANE Select); coding-DNA position 952, C replaced by T.
Protein change: p.Pro318Ser; replaces proline 318 with serine.
Molecular consequence: missense variant. On other transcripts: non-coding transcript variant (2).
Genome position (GRCh38, 1-based): chr22:46,355,522, C>T. VCF-style: chr22-46355522-C-T. GRCh37 (hg19) VCF-style: chr22-46751419-C-T.
Other names: c.610C>T, p.Pro204Ser (NM_001282782.2); c.532C>T, p.Pro178Ser (NM_001282783.2, NM_001282784.2); c.952C>T, p.Pro318Ser (NM_001282785.2); short protein forms P318S, P204S, P178S.
Identifiers: ClinVar variation 593601 (VCV000593601.11), dbSNP rs150128284, ClinGen allele CA10292327.